The following is an entry in ClinVar:

NM_176822.4(NLRP14):c.2422G>A (p.Glu808Lys)

Gene: NLRP14 (NLR family pyrin domain containing 14; plus strand). Cytogenetic location: 11p15.4.
Variant type: single nucleotide variant.
Coding change: c.2422G>A on transcript NM_176822.4 (MANE Select); coding-DNA position 2422, G replaced by A.
Protein change: p.Glu808Lys; replaces glutamic acid 808 with lysine.
Molecular consequence: missense variant.
Genome position (GRCh38, 1-based): chr11:7,057,807, G>A. VCF-style: chr11-7057807-G-A. GRCh37 (hg19) VCF-style: chr11-7079038-G-A.
Other names: short protein forms E808K.
Identifiers: ClinVar variation 1268656 (VCV001268656.4), dbSNP rs10839708, ClinGen allele CA5865041.

ClinVar aggregate classification (germline): Benign. Review status: criteria provided, multiple submitters, no conflicts (2 of 4 stars). 3 submissions from 3 submitters: Benign (2). 1 of the submissions does not count toward it. Last evaluated 2018-11-12.

Conditions:
NLRP14-related disorder. Also called: NLRP14-related condition.

Allele frequency attached by ClinVar (database versions not stated): ESP Exome Variant Server 0.51124; TOPMed 0.52600; gnomAD 0.53633 and 0.54446; 1000 Genomes Project 30x 0.56262; 1000 Genomes Project 0.56589; gnomAD exomes 0.59726 and 0.61055; ExAC 0.60514.
gnomAD v4.1: 952,871 of 1,609,838 alleles (59%); highest among the groups gnomAD compares: East Asian, 71%; 285,541 homozygotes.

Submissions (3):

GeneDx
Classification: Benign. Last evaluated: 2018-11-12. Review status: criteria provided, single submitter. Criteria: GeneDx Variant Classification Process June 2021. Collection method: clinical testing. Allele origin: germline. Affected: yes.

Breakthrough Genomics
Classification: Benign. Review status: criteria provided, single submitter. Criteria: ACMG Guidelines, 2015. Collection method: not provided. Allele origin: germline. Inheritance: Unknown mechanism. Affected: yes.

PreventionGenetics, part of Exact Sciences
Classification: Benign for NLRP14-related condition. Last evaluated: 2019-10-17. Review status: no assertion criteria provided. Collection method: clinical testing. Allele origin: germline. Not counted in ClinVar's aggregate classification.
Comment: This variant is classified as benign based on ACMG/AMP sequence variant interpretation guidelines (Richards et al. 2015 PMID: 25741868, with internal and published modifications).